The following is an entry in ClinVar:

ClinVar aggregate classification (germline): Likely pathogenic (1 of 4 stars; one submission).

Conditions:
Cohen syndrome (COH1). Also called: PEPPER SYNDROME; Cutis verticis gyrata, retinitis pigmentosa, and sensorineural deafness. Identifiers: Orphanet 193, MedGen C0265223, MONDO:0008999, OMIM 216550.

Allele frequency attached by ClinVar (database versions not stated): gnomAD exomes below 0.00001.
gnomAD v4.1: 1 of 1,611,844 alleles (0.000062%); highest among the groups gnomAD compares: Non-Finnish European, 0.000085%; no homozygotes.

Submission:

Labcorp Genetics (formerly Invitae), Labcorp
Classification: Likely pathogenic for Cohen syndrome. Last evaluated: 2023-01-16. Review status: criteria provided, single submitter. Criteria: Invitae Variant Classification Sherloc (09022015). Collection method: clinical testing. Allele origin: germline.
Comment: Algorithms developed to predict the effect of sequence changes on RNA splicing suggest that this variant may disrupt the consensus splice site. ClinVar contains an entry for this variant (Variation ID: 1067588). This variant has not been reported in the literature in individuals affected with VPS13B-related conditions. This variant is not present in population databases (gnomAD no frequency). This sequence change affects an acceptor splice site in intron 7 of the VPS13B gene. It is expected to disrupt RNA splicing. Variants that disrupt the donor or acceptor splice site typically lead to a loss of protein function (PMID: 16199547), and loss-of-function variants in VPS13B are known to be pathogenic (PMID: 15141358, 16648375, 20461111). In summary, the currently available evidence indicates that the variant is pathogenic, but additional data are needed to prove that conclusively. Therefore, this variant has been classified as Likely Pathogenic.

Literature cited by the submitters: PubMed 16199547; PubMed 15141358; PubMed 16648375; PubMed 20461111.

NM_152564.5(VPS13B):c.938-1G>C

Gene: VPS13B (vacuolar protein sorting 13 homolog B; plus strand). Cytogenetic location: 8q22.2.
Variant type: single nucleotide variant.
Coding change: c.938-1G>C on transcript NM_152564.5 (MANE Select); the canonical splice acceptor site of the intron before coding-DNA position 938, G replaced by C.
Molecular consequence: splice acceptor variant.
Genome position (GRCh38, 1-based): chr8:99,121,176, G>C. VCF-style: chr8-99121176-G-C. GRCh37 (hg19) VCF-style: chr8-100133404-G-C.
Other names: c.938-1G>C (NM_017890.5, NM_015243.3, NM_181661.3).
Identifiers: ClinVar variation 1067588 (VCV001067588.7), dbSNP rs2132515671, ClinGen allele CA371860749.